The following is an entry in ClinVar:

ClinVar aggregate classification (germline): Likely pathogenic. Review status: criteria provided, multiple submitters, no conflicts (2 of 4 stars). 3 submissions from 3 submitters: Likely pathogenic (3). Last evaluated 2023-12-01.

Conditions:
X-linked Alport syndrome (ATS1). Also called: NEPHROPATHY AND DEAFNESS, X-LINKED; COL4A5-Related Nephropathy. Identifiers: Orphanet 63, Orphanet 88917, MedGen C4746986, MONDO:0010520, OMIM 301050.

Submissions (3):

Precision Medicine Center, Zhengzhou University
Classification: Likely pathogenic for X-linked Alport syndrome. Last evaluated: 2023-12-01. Review status: criteria provided, single submitter. Criteria: ACMG Guidelines, 2015. Collection method: clinical testing. Allele origin: maternal. Affected: yes.
Comment: PM1,PM2_p,PP3_strong

Labcorp Genetics (formerly Invitae), Labcorp
Classification: Likely pathogenic. Last evaluated: 2021-02-19. Review status: criteria provided, single submitter. Criteria: Invitae Variant Classification Sherloc (09022015). Collection method: clinical testing. Allele origin: germline.
Comment: This sequence change replaces glycine with arginine at codon 51 of the COL4A5 protein (p.Gly51Arg). The glycine residue is highly conserved and there is a moderate physicochemical difference between glycine and arginine. This variant is not present in population databases (ExAC no frequency). This variant has not been reported in the literature in individuals with COL4A5-related conditions. Advanced modeling of protein sequence and biophysical properties (such as structural, functional, and spatial information, amino acid conservation, physicochemical variation, residue mobility, and thermodynamic stability) performed at Invitae indicates that this missense variant is expected to disrupt COL4A5 protein function. This variant disrupts the triple helix domain of COL4A5. Glycine residues within the Gly-Xaa-Yaa repeats of the triple helix domain are required for the structure and stability of fibrillar collagens (PMID: 7695699, 8218237, 19344236). In COL4A5, missense variants at these glycine residues are significantly enriched in individuals with disease (PMID: 23720012, 27627812) compared to the general population (ExAC). In summary, the currently available evidence indicates that the variant is pathogenic, but additional data are needed to prove that conclusively. Therefore, this variant has been classified as Likely Pathogenic.

Clinical Genetics Service, Universitary Hospital 12 de Octubre
Classification: Likely pathogenic for X-linked Alport syndrome. Review status: criteria provided, single submitter. Criteria: ACMG Guidelines, 2015. Collection method: clinical testing. Allele origin: germline. Affected: yes.

Literature cited by the submitters: PubMed 7695699 (cited by Labcorp Genetics (formerly Invitae), Labcorp); PubMed 8218237 (cited by Labcorp Genetics (formerly Invitae), Labcorp); PubMed 19344236 (cited by Labcorp Genetics (formerly Invitae), Labcorp); PubMed 23720012 (cited by Labcorp Genetics (formerly Invitae), Labcorp); PubMed 27627812 (cited by Labcorp Genetics (formerly Invitae), Labcorp).

NM_033380.3(COL4A5):c.151G>A (p.Gly51Arg)

Gene: COL4A5 (collagen type IV alpha 5 chain; plus strand). Cytogenetic location: Xq22.3.
Variant type: single nucleotide variant.
Coding change: c.151G>A on transcript NM_033380.3 (MANE Select); coding-DNA position 151, G replaced by A.
Protein change: p.Gly51Arg; replaces glycine 51 with arginine.
Molecular consequence: missense variant.
Genome position (GRCh38, 1-based): chrX:108,559,073, G>A. VCF-style: chrX-108559073-G-A. GRCh37 (hg19) VCF-style: chrX-107802303-G-A.
Other names: c.151G>A, p.Gly51Arg (NM_000495.5); c.151G>A (NM_000495.4); short protein forms G51R.
Identifiers: ClinVar variation 1067481 (VCV001067481.12), dbSNP rs2147722151, ClinGen allele CA413913910.